The following is an entry in ClinVar:

NM_000213.5(ITGB4):c.195G>A (p.Ala65=)

Gene: ITGB4 (integrin subunit beta 4; plus strand). Cytogenetic location: 17q25.1.
Variant type: single nucleotide variant.
Coding change: c.195G>A on transcript NM_000213.5 (MANE Select); coding-DNA position 195, G replaced by A.
Protein change: p.Ala65=; no amino-acid change (alanine 65 retained).
Molecular consequence: synonymous variant.
Genome position (GRCh38, 1-based): chr17:75,727,436, G>A. VCF-style: chr17-75727436-G-A. GRCh37 (hg19) VCF-style: chr17-73723517-G-A.
Other names: c.195G>A, p.Ala65= (NM_001005619.2, NM_001005731.3, NM_001321123.2).
Identifiers: ClinVar variation 2959197 (VCV002959197.5), dbSNP rs372797886, ClinGen allele CA8768598.
Genomic context (GRCh38, chr17:75,727,436, plus strand): 5'-CCCAGTGACCCCCTGTCCTTCTGGCCAGATGTTCAGGGACCGGCGCTGCAACACCCAGGC[G>A]GAGCTGCTGGCCGCGGGCTGCCAGCGGGAGAGCATCGTGGTCATGGAGAGCAGCTTCCAA-3'
Protein context (NP_000204.3, residues 55-75): MFRDRRCNTQ[Ala65=]ELLAAGCQRE

ClinVar aggregate classification (germline): Likely benign. Review status: criteria provided, single submitter (1 of 4 stars). 2 submissions from 2 submitters: Likely benign (1). 1 of the submissions does not count toward it. Last evaluated 2023-06-20.

Conditions:
ITGB4-related disorder. Also called: ITGB4-related condition.

Allele frequency attached by ClinVar (database versions not stated): gnomAD 0.00001; ExAC 0.00002; TOPMed 0.00002; gnomAD exomes 0.00003; ESP Exome Variant Server 0.00008.
gnomAD v4.1: 41 of 1,613,850 alleles (0.0025%); highest among the groups gnomAD compares: South Asian, 0.0033%; no homozygotes.

Submissions (2):

Labcorp Genetics (formerly Invitae), Labcorp
Classification: Likely benign. Last evaluated: 2023-06-20. Review status: criteria provided, single submitter. Criteria: Invitae Variant Classification Sherloc (09022015). Collection method: clinical testing. Allele origin: germline.

PreventionGenetics, part of Exact Sciences
Classification: Likely benign for ITGB4-related condition. Last evaluated: 2023-12-01. Review status: no assertion criteria provided. Collection method: clinical testing. Allele origin: germline. Not counted in ClinVar's aggregate classification.
Comment: This variant is classified as likely benign based on ACMG/AMP sequence variant interpretation guidelines (Richards et al. 2015 PMID: 25741868, with internal and published modifications).